The following is an entry in ClinVar:

ClinVar aggregate classification (germline): Uncertain significance. Review status: criteria provided, multiple submitters, no conflicts (2 of 4 stars). 3 submissions from 3 submitters: Uncertain significance (3). Last evaluated 2026-03-06.

Conditions:
Autosomal dominant childhood-onset proximal spinal muscular atrophy with contractures (SMALED2A). Also called: SPINAL MUSCULAR ATROPHY, LOWER EXTREMITY-PREDOMINANT, 2A, CHILDHOOD ONSET, AUTOSOMAL DOMINANT; Spinal muscular atrophy, lower extremity-predominant, 2A, autosomal dominant. Identifiers: Orphanet 363447, Orphanet 363454, MedGen C4747715, MONDO:0014121, OMIM 615290.

Allele frequency attached by ClinVar (database versions not stated): ExAC 0.00001.
gnomAD v4.1: 13 of 1,614,202 alleles (0.00081%); highest among the groups gnomAD compares: Middle Eastern, 0.033%; no homozygotes.

Submissions (3):

GeneDx
Classification: Uncertain significance. Last evaluated: 2026-03-06. Review status: criteria provided, single submitter. Criteria: GeneDx Variant Classification Process June 2021. Collection method: clinical testing. Allele origin: germline.
Comment: In silico analysis supports that this missense variant has a deleterious effect on protein structure/function; Has not been previously published as pathogenic or benign to our knowledge

Blueprint Genetics
Classification: Uncertain significance. Last evaluated: 2023-02-27. Review status: criteria provided, single submitter. Criteria: ACMG Guidelines, 2015. Collection method: clinical testing. Allele origin: germline.

Labcorp Genetics (formerly Invitae), Labcorp
Classification: Uncertain significance for Autosomal dominant childhood-onset proximal spinal muscular atrophy with contractures. Last evaluated: 2022-06-22. Review status: criteria provided, single submitter. Criteria: Invitae Variant Classification Sherloc (09022015). Collection method: clinical testing. Allele origin: germline.
Comment: In summary, the available evidence is currently insufficient to determine the role of this variant in disease. Therefore, it has been classified as a Variant of Uncertain Significance. Advanced modeling of protein sequence and biophysical properties (such as structural, functional, and spatial information, amino acid conservation, physicochemical variation, residue mobility, and thermodynamic stability) performed at Invitae indicates that this missense variant is not expected to disrupt BICD2 protein function. This variant has not been reported in the literature in individuals affected with BICD2-related conditions. This variant is present in population databases (rs778241123, gnomAD 0.002%). This sequence change replaces serine, which is neutral and polar, with leucine, which is neutral and non-polar, at codon 182 of the BICD2 protein (p.Ser182Leu).

NM_001003800.2(BICD2):c.545C>T (p.Ser182Leu)

Gene: BICD2 (BICD cargo adaptor 2; minus strand). Cytogenetic location: 9q22.31.
Variant type: single nucleotide variant.
Coding change: c.545C>T on transcript NM_001003800.2 (MANE Select); coding-DNA position 545, C replaced by T.
Protein change: p.Ser182Leu; replaces serine 182 with leucine.
Molecular consequence: missense variant.
Genome position (GRCh38, 1-based): chr9:92,722,717, G>A on the plus strand (C>T on the coding strand, the complement: BICD2 is on the minus strand). VCF-style: chr9-92722717-G-A. GRCh37 (hg19) VCF-style: chr9-95484999-G-A.
Other names: c.545C>T, p.Ser182Leu (NM_015250.4); c.545C>T (NM_001003800.1); short protein forms S182L.
Identifiers: ClinVar variation 2038517 (VCV002038517.6), dbSNP rs778241123, ClinGen allele CA5126784.